The following is an entry in ClinVar:

ClinVar aggregate classification (germline): Benign (1 of 4 stars; one submission).

Conditions:
Cleidocranial dysostosis (CLCD1). Also called: cleidocranial dysplasia 1; Marie-Sainton disease; Cleidocranial Dysplasia Spectrum Disorder. Identifiers: Orphanet 1452, MedGen C0008928, MONDO:0007340, OMIM 119600.

Allele frequency attached by ClinVar (database versions not stated): 1000 Genomes Project 30x 0.00437; 1000 Genomes Project 0.00459; TOPMed 0.01053; gnomAD 0.01340 and 0.01371; gnomAD exomes 0.01592.
gnomAD v4.1: 3,876 of 269,264 alleles (1.4%); highest among the groups gnomAD compares: Non-Finnish European, 1.7%; 37 homozygotes.

Submission:

Illumina Laboratory Services, Illumina
Classification: Benign for Cleidocranial dysostosis. Last evaluated: 2018-01-13. Review status: criteria provided, single submitter. Criteria: ICSL Variant Classification Criteria 13 December 2019. Collection method: clinical testing. Allele origin: germline.
Comment: This variant was observed in the ICSL laboratory as part of a predisposition screen in an ostensibly healthy population. It had not been previously curated by ICSL or reported in the Human Gene Mutation Database (HGMD: prior to June 1st, 2018), and was therefore a candidate for classification through an automated scoring system. Utilizing variant allele frequency, disease prevalence and penetrance estimates, and inheritance mode, an automated score was calculated to assess if this variant is too frequent to cause the disease. Based on the score and internal cut-off values, a variant classified as benign is not then subjected to further curation. The score for this variant resulted in a classification of benign for this disease.

NM_001024630.4(RUNX2):c.*1534T>C

Gene: RUNX2 (RUNX family transcription factor 2; plus strand). Cytogenetic location: 6p21.1.
Variant type: single nucleotide variant.
Coding change: c.*1534T>C on transcript NM_001024630.4 (MANE Select); 1534 bases downstream of the stop codon, T replaced by C.
Molecular consequence: 3 prime UTR variant.
Genome position (GRCh38, 1-based): chr6:45,548,839, T>C. VCF-style: chr6-45548839-T-C. GRCh37 (hg19) VCF-style: chr6-45516576-T-C.
Other names: c.*1534T>C (NM_001015051.4, NM_001278478.2, NM_001369405.1).
Identifiers: ClinVar variation 357115 (VCV000357115.5), dbSNP rs140371943, ClinGen allele CA10627098.